The following is an entry in ClinVar:

NM_018129.4(PNPO):c.736A>G (p.Met246Val)

Gene: PNPO (pyridoxamine 5'-phosphate oxidase; plus strand). Cytogenetic location: 17q21.32.
Variant type: single nucleotide variant.
Coding change: c.736A>G on transcript NM_018129.4 (MANE Select); coding-DNA position 736, A replaced by G.
Protein change: p.Met246Val; replaces methionine 246 with valine.
Molecular consequence: missense variant.
Genome position (GRCh38, 1-based): chr17:47,946,732, A>G. VCF-style: chr17-47946732-A-G. GRCh37 (hg19) VCF-style: chr17-46024098-A-G.
Other names: short protein forms M246V.
Identifiers: ClinVar variation 937787 (VCV000937787.7), dbSNP rs1233788410, ClinGen allele CA400063262.

ClinVar aggregate classification (germline): Uncertain significance (1 of 4 stars; one submission).

Conditions:
Pyridoxal phosphate-responsive seizures (PNPOD). Also called: Pyridoxal 5'-Phosphate (PLP)-Dependent Epilepsy; EPILEPTIC ENCEPHALOPATHY, NEONATAL, PNPO-RELATED; Pyridoxamine 5-Prime-Phosphate Oxidase Deficiency; SEIZURES, PYRIDOXINE-RESISTANT, PLP-SENSITIVE; Pyridoxine-5'-phosphate oxidase deficiency. Identifiers: Orphanet 79096, MedGen C1864723, MONDO:0012407, OMIM 610090. Disease mechanism: loss of function.

Allele frequency attached by ClinVar (database versions not stated): gnomAD exomes below 0.00001; gnomAD 0.00001; TOPMed 0.00001.

Submission:

Labcorp Genetics (formerly Invitae), Labcorp
Classification: Uncertain significance for Pyridoxal phosphate-responsive seizures. Last evaluated: 2022-03-23. Review status: criteria provided, single submitter. Criteria: Invitae Variant Classification Sherloc (09022015). Collection method: clinical testing. Allele origin: germline.
Comment: This sequence change replaces methionine, which is neutral and non-polar, with valine, which is neutral and non-polar, at codon 246 of the PNPO protein (p.Met246Val). This variant is not present in population databases (gnomAD no frequency). This variant has not been reported in the literature in individuals affected with PNPO-related conditions. ClinVar contains an entry for this variant (Variation ID: 937787). Algorithms developed to predict the effect of missense changes on protein structure and function (SIFT, PolyPhen-2, Align-GVGD) all suggest that this variant is likely to be tolerated. In summary, the available evidence is currently insufficient to determine the role of this variant in disease. Therefore, it has been classified as a Variant of Uncertain Significance.